The following is an entry in ClinVar:

ClinVar aggregate classification (germline): Benign (1 of 4 stars; one submission).

Allele frequency attached by ClinVar (database versions not stated): 1000 Genomes Project 30x 0.26483; 1000 Genomes Project 0.26498; TOPMed 0.29552; gnomAD 0.30074 and 0.30626.
gnomAD v4.1: 45,526 of 151,528 alleles (30%); highest among the groups gnomAD compares: East Asian, 32%; 7,066 homozygotes.

Submission:

GeneDx
Classification: Benign. Last evaluated: 2018-06-18. Review status: criteria provided, single submitter. Criteria: GeneDx Variant Classification (06012015). Collection method: clinical testing. Allele origin: germline. Affected: yes.
Comment: This variant is considered likely benign or benign based on one or more of the following criteria: it is a conservative change, it occurs at a poorly conserved position in the protein, it is predicted to be benign by multiple in silico algorithms, and/or has population frequency not consistent with disease.

NM_001035.3(RYR2):c.309+185G>A

Gene: RYR2 (ryanodine receptor 2; plus strand). Cytogenetic location: 1q43.
Variant type: single nucleotide variant.
Coding change: c.309+185G>A on transcript NM_001035.3 (MANE Select); 185 bases into the intron after coding-DNA position 309, G replaced by A.
Molecular consequence: intron variant.
Genome position (GRCh38, 1-based): chr1:237,364,557, G>A. VCF-style: chr1-237364557-G-A. GRCh37 (hg19) VCF-style: chr1-237527857-G-A.
Identifiers: ClinVar variation 671186 (VCV000671186.1), dbSNP rs12405220, ClinGen allele CA16083476.
Genomic context (GRCh38, chr1:237,364,557, plus strand): 5'-CTATATATCAGCTATATATATGTGGTACTTTGTATGTTTTCTGTATGGTTATACACATTT[G>A]TTTTACTTTTGAATCCATGTAACTTTTCTTCACATGCTTTTAAAAGGTTTTTAAAAATCA-3'